The following is an entry in ClinVar:

ClinVar aggregate classification (germline): Pathogenic. Review status: criteria provided, multiple submitters, no conflicts (2 of 4 stars). 2 submissions from 2 submitters: Pathogenic (2). Last evaluated 2024-10-21.

Conditions:
Meckel-Gruber syndrome. Also called: Dysencephalia splachnocystica; DYSENCEPHALIA SPLANCHNOCYSTICA; GRUBER SYNDROME. Identifiers: Orphanet 564, MedGen C0265215, MONDO:0018921.
Joubert syndrome. Also called: Familial aplasia of the vermis; JOUBERT-BOLTSHAUSER SYNDROME. Identifiers: Orphanet 475, MedGen C5979921, MONDO:0018772.
Joubert syndrome and related disorders. Identifiers: Orphanet 140874, MedGen C5679612, MONDO:0015369.

Allele frequency attached by ClinVar (database versions not stated): gnomAD exomes below 0.00001; ExAC 0.00001; gnomAD 0.00001; TOPMed 0.00001.

Submissions (2):

Labcorp Genetics (formerly Invitae), Labcorp
Classification: Pathogenic for Joubert syndrome; Meckel-Gruber syndrome. Last evaluated: 2024-10-21. Review status: criteria provided, single submitter. Criteria: Invitae Variant Classification Sherloc (09022015). Collection method: clinical testing. Allele origin: germline.
Comment: This sequence change creates a premature translational stop signal (p.Arg1330*) in the CC2D2A gene. It is expected to result in an absent or disrupted protein product. Loss-of-function variants in CC2D2A are known to be pathogenic (PMID: 19777577). This variant is present in population databases (rs758036385, gnomAD 0.0009%). This variant has not been reported in the literature in individuals affected with CC2D2A-related conditions. ClinVar contains an entry for this variant (Variation ID: 461750). Algorithms developed to predict the effect of sequence changes on RNA splicing suggest that this variant may disrupt the consensus splice site. For these reasons, this variant has been classified as Pathogenic.

Myriad Genetics, Inc.
Classification: Pathogenic for Joubert syndrome and related disorders. Last evaluated: 2024-06-16. Review status: criteria provided, single submitter. Criteria: Myriad Autosomal Dominant, Autosomal Recessive and X-Linked Classification Criteria (2023). Collection method: clinical testing. Allele origin: unknown.
Comment: NM_001080522.2(CC2D2A):c.3988C>T(R1330*) is expected to be pathogenic in the context of CC2D2A-related disorders. This variant is predicted to lead to an abnormal or absent protein product due to the creation of a premature termination codon in CC2D2A, a gene where loss-of-function variants are known to be pathogenic. Please note: this variant was assessed in the context of healthy population screening.

Literature cited by the submitters: PubMed 19777577 (cited by Labcorp Genetics (formerly Invitae), Labcorp).

NM_001378615.1(CC2D2A):c.3988C>T (p.Arg1330Ter)

Genes: CC2D2A (coiled-coil and C2 domain containing 2A; plus strand), FBXL5 (F-box and leucine rich repeat protein 5; minus strand). Cytogenetic location: 4p15.32.
Variant type: single nucleotide variant.
Coding change: c.3988C>T on transcript NM_001378615.1 (MANE Select); coding-DNA position 3988, C replaced by T.
Protein change: p.Arg1330Ter; replaces arginine 1330 with a stop codon.
Molecular consequence: nonsense.
Genome position (GRCh38, 1-based): chr4:15,586,169, C>T. VCF-style: chr4-15586169-C-T. GRCh37 (hg19) VCF-style: chr4-15587792-C-T.
Other names: c.3988C>T, p.Arg1330Ter (NM_001080522.2); c.3841C>T, p.Arg1281Ter (NM_001378617.1); short protein forms R1330*, R1281*.
Identifiers: ClinVar variation 461750 (VCV000461750.8), dbSNP rs758036385, ClinGen allele CA2864283.